The following is an entry in ClinVar:

ClinVar aggregate classification (germline): Uncertain significance (1 of 4 stars; one submission).

Submission:

Ambry Genetics
Classification: Uncertain significance. Last evaluated: 2024-04-19. Review status: criteria provided, single submitter. Criteria: Ambry Variant Classification Scheme 2023. Collection method: clinical testing. Allele origin: germline.
Comment: The p.M1945V variant (also known as c.5833A>G), located in coding exon 18 of the POLQ gene, results from an A to G substitution at nucleotide position 5833. The methionine at codon 1945 is replaced by valine, an amino acid with highly similar properties. This amino acid position is conserved. In addition, this alteration is predicted to be tolerated by in silico analysis. Based on the available evidence, the clinical significance of this variant remains unclear.

NM_199420.4(POLQ):c.5833A>G (p.Met1945Val)

Gene: POLQ (DNA polymerase theta; minus strand). Cytogenetic location: 3q13.33.
Variant type: single nucleotide variant.
Coding change: c.5833A>G on transcript NM_199420.4 (MANE Select); coding-DNA position 5833, A replaced by G.
Protein change: p.Met1945Val; replaces methionine 1945 with valine.
Molecular consequence: missense variant.
Genome position (GRCh38, 1-based): chr3:121,483,523, T>C on the plus strand (A>G on the coding strand, the complement: POLQ is on the minus strand). VCF-style: chr3-121483523-T-C. GRCh37 (hg19) VCF-style: chr3-121202370-T-C.
Other names: short protein forms M1945V.
Identifiers: ClinVar variation 3308640 (VCV003308640.1).
Genomic context (GRCh38, chr3:121,483,523, plus strand): 5'-AGATGACAACAGAACATTCTTTATCAGATTCCTTTCGCAAGCAAGATTGAAGGTACCACA[T>C]CCTGTCTTTCAAAGTCAGGCTTGGATCTAAAGAAGGTGGAACCAAACTGGCACTAATTTC-3'
Protein context (NP_955452.3, residues 1935-1955): LDPSLTLKDR[Met1945Val]WYLQSCLRKE